The following is an entry in ClinVar:

ClinVar aggregate classification (germline): Uncertain significance (1 of 4 stars; one submission).

Conditions:
Familial hypocalciuric hypercalcemia (FHH). Also called: Familial benign hypercalcemia. Identifiers: Orphanet 405, MedGen C1809471, MONDO:0018458.
Autosomal dominant hypocalcemia 1 (HYPOC1). Also called: HYPOCALCEMIA, FAMILIAL. Identifiers: MedGen C3715128, MONDO:0011013, OMIM 601198.

Submission:

Labcorp Genetics (formerly Invitae), Labcorp
Classification: Uncertain significance for Familial hypocalciuric hypercalcemia; Autosomal dominant hypocalcemia 1. Last evaluated: 2022-06-04. Review status: criteria provided, single submitter. Criteria: Invitae Variant Classification Sherloc (09022015). Collection method: clinical testing. Allele origin: germline.
Comment: This variant has not been reported in the literature in individuals affected with CASR-related conditions. In summary, the available evidence is currently insufficient to determine the role of this variant in disease. Therefore, it has been classified as a Variant of Uncertain Significance. Algorithms developed to predict the effect of sequence changes on RNA splicing suggest that this variant may create or strengthen a splice site. Algorithms developed to predict the effect of missense changes on protein structure and function output the following: SIFT: "Deleterious"; PolyPhen-2: "Benign"; Align-GVGD: "Class C0". The isoleucine amino acid residue is found in multiple mammalian species, which suggests that this missense change does not adversely affect protein function. ClinVar contains an entry for this variant (Variation ID: 578267). This variant is not present in population databases (gnomAD no frequency). This sequence change replaces methionine, which is neutral and non-polar, with isoleucine, which is neutral and non-polar, at codon 473 of the CASR protein (p.Met473Ile).

NM_000388.4(CASR):c.1419G>A (p.Met473Ile)

Gene: CASR (calcium sensing receptor; plus strand). Cytogenetic location: 3q21.1.
Variant type: single nucleotide variant.
Coding change: c.1419G>A on transcript NM_000388.4 (MANE Select); coding-DNA position 1419, G replaced by A.
Protein change: p.Met473Ile; replaces methionine 473 with isoleucine.
Molecular consequence: missense variant.
Genome position (GRCh38, 1-based): chr3:122,275,853, G>A. VCF-style: chr3-122275853-G-A. GRCh37 (hg19) VCF-style: chr3-121994700-G-A.
Other names: c.1419G>A, p.Met473Ile (NM_001178065.2); short protein forms M473I.
Identifiers: ClinVar variation 578267 (VCV000578267.10), dbSNP rs1559965073, ClinGen allele CA354154934.
Genomic context (GRCh38, chr3:122,275,853, plus strand): 5'-ATTCTTTGCTCCTCTTTAGGTCCTGAAGCACCTACGGCATCTAAACTTTACAAACAATAT[G>A]GGGGAGCAGGTGACCTTTGATGAGTGTGGTGACCTGGTGGGGAACTATTCCATCATCAAC-3'
Protein context (NP_000379.3, residues 463-483): HLRHLNFTNN[Met473Ile]GEQVTFDECG